The following is an entry in ClinVar:

ClinVar aggregate classification (germline): Uncertain significance (1 of 4 stars; one submission).

Conditions:
Frontotemporal dementia (FTD1). Also called: Frontotemporal Dementia with Parkinsonism-17 (FTDP-17); Frontotemporal lobe dementia (FLDEM); WILHELMSEN-LYNCH DISEASE; Dementia, frontotemporal, with or without parkinsonism; FRONTOTEMPORAL DEMENTIA WITH PARKINSONISM; FRONTOTEMPORAL LOBE DEMENTIA. Identifiers: Orphanet 282, MedGen C0338451, MONDO:0017276, OMIM 600274, HP:0002145.

gnomAD v4.1: 11 of 1,613,952 alleles (0.00068%); highest among the groups gnomAD compares: Non-Finnish European, 0.00085%; no homozygotes.

Submission:

Labcorp Genetics (formerly Invitae), Labcorp
Classification: Uncertain significance for Frontotemporal dementia. Last evaluated: 2024-07-21. Review status: criteria provided, single submitter. Criteria: Invitae Variant Classification Sherloc (09022015). Collection method: clinical testing. Allele origin: germline.
Comment: This sequence change replaces glycine, which is neutral and non-polar, with serine, which is neutral and polar, at codon 261 of the MAPT protein (p.Gly261Ser). The frequency data for this variant in the population databases is considered unreliable, as metrics indicate poor data quality at this position in the gnomAD database. This variant has not been reported in the literature in individuals affected with MAPT-related conditions. ClinVar contains an entry for this variant (Variation ID: 2151813). Advanced modeling of protein sequence and biophysical properties (such as structural, functional, and spatial information, amino acid conservation, physicochemical variation, residue mobility, and thermodynamic stability) performed at Invitae indicates that this missense variant is expected to disrupt MAPT protein function with a positive predictive value of 80%. In summary, the available evidence is currently insufficient to determine the role of this variant in disease. Therefore, it has been classified as a Variant of Uncertain Significance.

NM_001377265.1(MAPT):c.1957G>A (p.Gly653Ser)

Gene: MAPT (microtubule associated protein tau). Cytogenetic location: 17q21.31.
Variant type: single nucleotide variant.
Coding change: c.1957G>A on transcript NM_001377265.1 (MANE Select); coding-DNA position 1957, G replaced by A.
Protein change: p.Gly653Ser; replaces glycine 653 with serine.
Molecular consequence: missense variant. On other transcripts: non-coding transcript variant (1).
Genome position (GRCh38, 1-based): chr17:45,996,623, G>A. VCF-style: chr17-45996623-G-A. GRCh37 (hg19) VCF-style: chr17-44073989-G-A.
Other names: c.1786G>A, p.Gly596Ser (NM_001123066.4); c.694G>A, p.Gly232Ser (NM_001123067.4, NM_001203251.2, NM_001377267.1); c.781G>A, p.Gly261Ser (NM_001203252.2, NM_005910.6); c.1759G>A, p.Gly587Ser (NM_001377266.1); c.607G>A, p.Gly203Ser (NM_001377268.1, NM_016834.5, NM_016841.5); c.1732G>A, p.Gly578Ser (NM_016835.5); short protein forms G261S, G578S, G203S, G587S, G232S, G596S, G653S.
Identifiers: ClinVar variation 2151813 (VCV002151813.4), dbSNP rs1342068350, ClinGen allele CA399978390.